The following is an entry in ClinVar:

NM_002968.3(SALL1):c.875A>G (p.Gln292Arg)

Gene: SALL1 (spalt like transcription factor 1; minus strand). Cytogenetic location: 16q12.1.
Variant type: single nucleotide variant.
Coding change: c.875A>G on transcript NM_002968.3 (MANE Select); coding-DNA position 875, A replaced by G.
Protein change: p.Gln292Arg; replaces glutamine 292 with arginine.
Molecular consequence: missense variant.
Genome position (GRCh38, 1-based): chr16:51,141,347, T>C on the plus strand (A>G on the coding strand, the complement: SALL1 is on the minus strand). VCF-style: chr16-51141347-T-C. GRCh37 (hg19) VCF-style: chr16-51175258-T-C.
Other names: c.584A>G, p.Gln195Arg (NM_001127892.2); short protein forms Q195R, Q292R.
Identifiers: ClinVar variation 4629778 (VCV004629778.1).

ClinVar aggregate classification (germline): Uncertain significance (1 of 4 stars; one submission).

Conditions:
Inborn genetic diseases. Identifiers: MedGen C0950123, MeSH D030342.

Submission:

Ambry Genetics
Classification: Uncertain significance for Inborn genetic diseases. Last evaluated: 2025-09-22. Review status: criteria provided, single submitter. Criteria: Ambry Variant Classification Scheme 2023. Collection method: clinical testing. Allele origin: germline.
Comment: The c.875A>G (p.Q292R) alteration is located in exon 2 (coding exon 2) of the SALL1 gene. This alteration results from a A to G substitution at nucleotide position 875, causing the glutamine (Q) at amino acid position 292 to be replaced by an arginine (R). Based on data from gnomAD, the G allele has an overall frequency of <0.001% (1/251482) total alleles studied. The highest observed frequency was 0.006% (1/16256) of African alleles. Based on insufficient or conflicting evidence, the clinical significance of this alteration remains unclear.